The following is an entry in ClinVar:

ClinVar aggregate classification (germline): Uncertain significance (1 of 4 stars; one submission).

Conditions:
Cardiovascular phenotype. Identifiers: MedGen CN230736.

Allele frequency attached by ClinVar (database versions not stated): gnomAD 0.00001.
gnomAD v4.1: 1 of 1,614,004 alleles (0.000062%); highest among the groups gnomAD compares: African/African-American, 0.0013%; no homozygotes.

Submission:

Ambry Genetics
Classification: Uncertain significance for Cardiovascular phenotype. Last evaluated: 2023-10-23. Review status: criteria provided, single submitter. Criteria: Ambry Variant Classification Scheme 2023. Collection method: clinical testing. Allele origin: germline.
Comment: The p.Q3095P variant (also known as c.9284A>C), located in coding exon 26 of the APOB gene, results from an A to C substitution at nucleotide position 9284. The glutamine at codon 3095 is replaced by proline, an amino acid with similar properties. This amino acid position is conserved. In addition, the in silico prediction for this alteration is inconclusive. Since supporting evidence is limited at this time, the clinical significance of this alteration remains unclear.

NM_000384.3(APOB):c.9284A>C (p.Gln3095Pro)

Gene: APOB (apolipoprotein B; minus strand). Cytogenetic location: 2p24.1.
Variant type: single nucleotide variant.
Coding change: c.9284A>C on transcript NM_000384.3 (MANE Select); coding-DNA position 9284, A replaced by C.
Protein change: p.Gln3095Pro; replaces glutamine 3095 with proline.
Molecular consequence: missense variant.
Genome position (GRCh38, 1-based): chr2:21,007,584, T>G on the plus strand (A>C on the coding strand, the complement: APOB is on the minus strand). VCF-style: chr2-21007584-T-G. GRCh37 (hg19) VCF-style: chr2-21230456-T-G.
Other names: short protein forms Q3095P.
Identifiers: ClinVar variation 3231473 (VCV003231473.1), dbSNP rs748849856, ClinGen allele CA345990643.